The following is an entry in ClinVar:

ClinVar aggregate classification (germline): Uncertain significance. Review status: criteria provided, multiple submitters, no conflicts (2 of 4 stars). 2 submissions from 2 submitters: Uncertain significance (2). Last evaluated 2024-12-09.

Conditions:
Inborn genetic diseases. Identifiers: MedGen C0950123, MeSH D030342.

Allele frequency attached by ClinVar (database versions not stated): gnomAD 0.00001; ExAC 0.00002; gnomAD exomes 0.00002; TOPMed 0.00002.
gnomAD v4.1: 9 of 1,592,778 alleles (0.00057%); highest among the groups gnomAD compares: Admixed American, 0.0067%; no homozygotes.

Submissions (2):

Labcorp Genetics (formerly Invitae), Labcorp
Classification: Uncertain significance. Last evaluated: 2024-12-09. Review status: criteria provided, single submitter. Criteria: Invitae Variant Classification Sherloc (09022015). Collection method: clinical testing. Allele origin: germline.
Comment: This sequence change replaces glycine, which is neutral and non-polar, with serine, which is neutral and polar, at codon 352 of the PDE6B protein (p.Gly352Ser). This variant is present in population databases (rs781265218, gnomAD 0.01%). This variant has not been reported in the literature in individuals affected with PDE6B-related conditions. ClinVar contains an entry for this variant (Variation ID: 1057775). Invitae Evidence Modeling of protein sequence and biophysical properties (such as structural, functional, and spatial information, amino acid conservation, physicochemical variation, residue mobility, and thermodynamic stability) has been performed for this missense variant. However, the output from this modeling did not meet the statistical confidence thresholds required to predict the impact of this variant on PDE6B protein function. In summary, the available evidence is currently insufficient to determine the role of this variant in disease. Therefore, it has been classified as a Variant of Uncertain Significance.

Ambry Genetics
Classification: Uncertain significance for Inborn genetic diseases. Last evaluated: 2024-08-27. Review status: criteria provided, single submitter. Criteria: Ambry Variant Classification Scheme 2023. Collection method: clinical testing. Allele origin: germline.

NM_000283.4(PDE6B):c.1054G>A (p.Gly352Ser)

Gene: PDE6B (phosphodiesterase 6B; plus strand). Cytogenetic location: 4p16.3.
Variant type: single nucleotide variant.
Coding change: c.1054G>A on transcript NM_000283.4 (MANE Select); coding-DNA position 1054, G replaced by A.
Protein change: p.Gly352Ser; replaces glycine 352 with serine.
Molecular consequence: missense variant. On other transcripts: intron variant (1).
Genome position (GRCh38, 1-based): chr4:656,001, G>A. VCF-style: chr4-656001-G-A. GRCh37 (hg19) VCF-style: chr4-649790-G-A.
Other names: c.1054G>A, p.Gly352Ser (NM_001145291.2); c.217G>A, p.Gly73Ser (NM_001145292.2, NM_001350154.3, NM_001379246.1 and 1 more transcripts); c.-48-873G>A (NM_001350155.3); c.1054G>A (NM_000283.3); short protein forms G352S, G73S.
Identifiers: ClinVar variation 1057775 (VCV001057775.8), dbSNP rs781265218, ClinGen allele CA2794298.